The following is an entry in ClinVar:

ClinVar aggregate classification (germline): Uncertain significance. Review status: criteria provided, multiple submitters, no conflicts (2 of 4 stars). 2 submissions from 2 submitters: Uncertain significance (2). Last evaluated 2025-04-02.

Conditions:
Cholestanol storage disease (CTX). Also called: CEREBRAL CHOLESTERINOSIS; CTX: Cerebrotendinous xanthomatosis; Cerebrotendinous Xanthomatosis. Identifiers: Orphanet 909, MedGen C0238052, MONDO:0008948, OMIM 213700.

Allele frequency attached by ClinVar (database versions not stated): gnomAD 0.00001; TOPMed 0.00001.
gnomAD v4.1: 8 of 1,614,044 alleles (0.0005%); highest among the groups gnomAD compares: South Asian, 0.0011%; no homozygotes.

Submissions (3):

GeneDx
Classification: Uncertain significance. Last evaluated: 2025-04-02. Review status: criteria provided, single submitter. Criteria: GeneDx Variant Classification Process June 2021. Collection method: clinical testing. Allele origin: germline. Affected: yes.
Comment: Not observed at significant frequency in large population cohorts (gnomAD); In silico analysis supports that this missense variant has a deleterious effect on protein structure/function; In silico analysis supports a deleterious effect on splicing; Has not been previously published as pathogenic or benign to our knowledge

Labcorp Genetics (formerly Invitae), Labcorp
Classification: Uncertain significance for Cholestanol storage disease. Last evaluated: 2021-09-17. Review status: criteria provided, single submitter. Criteria: Invitae Variant Classification Sherloc (09022015). Collection method: clinical testing. Allele origin: germline.
Comment: This sequence change replaces glycine with arginine at codon 245 of the CYP27A1 protein (p.Gly245Arg). The glycine residue is moderately conserved and there is a moderate physicochemical difference between glycine and arginine. This variant is not present in population databases (ExAC no frequency). This variant has not been reported in the literature in individuals with CYP27A1-related conditions. Algorithms developed to predict the effect of missense changes on protein structure and function are either unavailable or do not agree on the potential impact of this missense change (SIFT: "Deleterious"; PolyPhen-2: "Benign"; Align-GVGD: "Class C0"). Algorithms developed to predict the effect of sequence changes on RNA splicing suggest that this variant may create or strengthen a splice site, but this prediction has not been confirmed by published transcriptional studies. In summary, the available evidence is currently insufficient to determine the role of this variant in disease. Therefore, it has been classified as a Variant of Uncertain Significance.

Dr. Peter K. Rogan Lab, Western University
No classification provided (evidence only). Condition: Clear cell carcinoma of kidney. Review status: no classification provided. Collection method: in vitro. Allele origin: not applicable. Functional consequence: retained intron. Not counted in ClinVar's aggregate classification.

NM_000784.4(CYP27A1):c.733G>A (p.Gly245Arg)

Gene: CYP27A1 (cytochrome P450 family 27 subfamily A member 1; plus strand). Cytogenetic location: 2q35.
Variant type: single nucleotide variant.
Coding change: c.733G>A on transcript NM_000784.4 (MANE Select); coding-DNA position 733, G replaced by A.
Protein change: p.Gly245Arg; replaces glycine 245 with arginine.
Molecular consequence: missense variant.
Genome position (GRCh38, 1-based): chr2:218,812,638, G>A. VCF-style: chr2-218812638-G-A. GRCh37 (hg19) VCF-style: chr2-219677361-G-A.
Other names: c.733G>A (NM_000784.3); short protein forms G245R.
Identifiers: ClinVar variation 1434140 (VCV001434140.7), dbSNP rs746666035, ClinGen allele CA350586639.